The following is an entry in ClinVar:

ClinVar aggregate classification (germline): Likely benign (0 of 4 stars; one submission).

Conditions:
PRR12-related disorder. Also called: PRR12-related condition.

Allele frequency attached by ClinVar (database versions not stated): gnomAD exomes below 0.00001; gnomAD 0.00001; TOPMed 0.00001.
gnomAD v4.1: 3 of 1,605,710 alleles (0.00019%); highest among the groups gnomAD compares: Non-Finnish European, 0.00026%; no homozygotes.

Submission:

PreventionGenetics, part of Exact Sciences
Classification: Likely benign for PRR12-related condition. Last evaluated: 2019-07-15. Review status: no assertion criteria provided. Collection method: clinical testing. Allele origin: germline.
Comment: This variant is classified as likely benign based on ACMG/AMP sequence variant interpretation guidelines (Richards et al. 2015 PMID: 25741868, with internal and published modifications).

NM_020719.3(PRR12):c.5637G>A (p.Leu1879=)

Gene: PRR12 (proline rich 12; plus strand). Cytogenetic location: 19q13.33.
Variant type: single nucleotide variant.
Coding change: c.5637G>A on transcript NM_020719.3 (MANE Select); coding-DNA position 5637, G replaced by A.
Protein change: p.Leu1879=; no amino-acid change (leucine 1879 retained).
Molecular consequence: synonymous variant.
Genome position (GRCh38, 1-based): chr19:49,621,538, G>A. VCF-style: chr19-49621538-G-A. GRCh37 (hg19) VCF-style: chr19-50124795-G-A.
Identifiers: ClinVar variation 3049308 (VCV003049308.2), dbSNP rs879591715, ClinGen allele CA309491658.